The following is an entry in ClinVar:

NM_000059.4(BRCA2):c.978C>G (p.Ser326Arg)

Gene: BRCA2 (BRCA2 DNA repair associated; plus strand). Cytogenetic location: 13q13.1.
Variant type: single nucleotide variant.
Coding change: c.978C>G on transcript NM_000059.4 (MANE Select); coding-DNA position 978, C replaced by G.
Protein change: p.Ser326Arg; replaces serine 326 with arginine.
Molecular consequence: missense variant.
Genome position (GRCh38, 1-based): chr13:32,332,456, C>G. VCF-style: chr13-32332456-C-G. GRCh37 (hg19) VCF-style: chr13-32906593-C-G.
Other names: short protein forms S326R.
Identifiers: ClinVar variation 531470 (VCV000531470.19), dbSNP rs28897706, ClinGen allele CA387760945.

ClinVar aggregate classification (germline): Conflicting classifications of pathogenicity. Review status: criteria provided, conflicting classifications (1 of 4 stars). 6 submissions from 6 submitters: Uncertain significance (2); Likely benign (4). Last evaluated 2025-06-11.

Conditions:
Hereditary cancer-predisposing syndrome. Also called: Hereditary neoplastic syndrome; Neoplastic Syndromes, Hereditary; Tumor predisposition; Hereditary Cancer Syndrome. Identifiers: Orphanet 140162, MedGen C0027672, MeSH D009386, MONDO:0015356.
Hereditary breast ovarian cancer syndrome. Also called: Hereditary breast and ovarian cancer syndrome (HBOC); BRCA1- and BRCA2-Associated Hereditary Breast and Ovarian Cancer; Hereditary breast and ovarian cancer syndrome; Breast and ovarian cancer; Hereditary breast and ovarian cancer; Hereditary breast and/or ovarian cancer syndrome. Identifiers: Orphanet 145, MedGen C0677776, MeSH D061325, MONDO:0003582. Disease mechanism: loss of function.

gnomAD v4.1: 1 of 1,592,580 alleles (0.000063%); highest among the groups gnomAD compares: Non-Finnish European, 0.000085%; no homozygotes.

Submissions (6):

Color Diagnostics, LLC DBA Color Health
Classification: Likely benign for Hereditary cancer-predisposing syndrome. Last evaluated: 2025-06-11. Review status: criteria provided, single submitter. Criteria: ACMG Guidelines, 2015. Collection method: clinical testing. Allele origin: germline.

Ambry Genetics
Classification: Uncertain significance for Hereditary cancer-predisposing syndrome. Last evaluated: 2024-07-13. Review status: criteria provided, single submitter. Criteria: Ambry Variant Classification Scheme 2023. Collection method: clinical testing. Allele origin: germline.
Comment: The p.S326R variant (also known as c.978C>G), located in coding exon 9 of the BRCA2 gene, results from a C to G substitution at nucleotide position 978. The serine at codon 326 is replaced by arginine, an amino acid with dissimilar properties. This amino acid position is poorly conserved in available vertebrate species. In addition, this alteration is predicted to be tolerated by in silico analysis. Since supporting evidence is limited at this time, the clinical significance of this alteration remains unclear.

Labcorp Genetics (formerly Invitae), Labcorp
Classification: Likely benign for Hereditary breast ovarian cancer syndrome. Last evaluated: 2024-04-29. Review status: criteria provided, single submitter. Criteria: Invitae Variant Classification Sherloc (09022015). Collection method: clinical testing. Allele origin: germline.

Quest Diagnostics Nichols Institute San Juan Capistrano
Classification: Uncertain significance. Last evaluated: 2023-09-12. Review status: criteria provided, single submitter. Criteria: Quest Diagnostics criteria. Collection method: clinical testing. Allele origin: unknown.
Comment: In the published literature, this variant has been reported in affected individuals with breast and/or ovarian cancer (PMID: 22476429 (2012)), as well as in an individual with both breast cancer and ocular melanoma (PMID: 10399947 (1999)). A functional study found that this variant was not damaging to protein function (PMID: 32444794 (2020)). This variant has not been reported in large, multi-ethnic general populations (Genome Aggregation Database). Analysis of this variant using bioinformatics tools for the prediction of the effect of amino acid changes on protein structure and function yielded predictions that this variant is benign. Based on the available information, we are unable to determine the clinical significance of this variant.

University of Washington Department of Laboratory Medicine, University of Washington
Classification: Likely benign for Hereditary cancer-predisposing syndrome. Last evaluated: 2023-03-23. Review status: criteria provided, single submitter. Criteria: Dines et al. (Genet Med. 2020). Collection method: curation. Allele origin: germline.
Comment: Missense variant in a coldspot region where missense variants are very unlikely to be pathogenic (PMID:31911673).

BRCA2 exon 10 coldspot. Reclassification based on statistical prior probability.

Women's Health and Genetics/Laboratory Corporation of America, LabCorp
Classification: Likely benign. Last evaluated: 2022-11-25. Review status: criteria provided, single submitter. Criteria: LabCorp Variant Classification Summary - May 2015. Collection method: clinical testing. Allele origin: germline.
Comment: Variant summary: BRCA2 c.978C>G (p.Ser326Arg) results in a non-conservative amino acid change in the encoded protein sequence. Four of five in-silico tools predict a benign effect of the variant on protein function. The variant was absent in 232538 control chromosomes (gnomAD). The available data on variant occurrences in the general population are insufficient to allow any conclusion about variant significance. p.Ser326Arg has been reported in the literature in individuals affected with Breast And Ovarian Cancer Syndrome (e.g. Martin_2001, Lu_2012), however, these reports do not provide unequivocal conclusions about association of the variant with Hereditary Breast And Ovarian Cancer Syndrome since this amino acid change may also be caused by c.978C>A, which is a known polymorphism (ClinVar: 52898, benign). Protein level evidence from a PARP-inhibitor survival assay showed the variant behaved similarly to wild-type (Ikegami_2020). One ClinVar submitter has assessed the variant since 2014: the variant was classified as likely benign. Based on the evidence outlined above, the variant was classified as likely benign.

Literature cited by the submitters: PubMed 32444794 (cited by Quest Diagnostics Nichols Institute San Juan Capistrano and Women's Health and Genetics/Laboratory Corporation of America, LabCorp); PubMed 31911673 (cited by Quest Diagnostics Nichols Institute San Juan Capistrano); PubMed 22476429 (cited by Quest Diagnostics Nichols Institute San Juan Capistrano and Women's Health and Genetics/Laboratory Corporation of America, LabCorp); PubMed 10399947 (cited by Quest Diagnostics Nichols Institute San Juan Capistrano); PubMed 11304778 (cited by Women's Health and Genetics/Laboratory Corporation of America, LabCorp).